The following is an entry in ClinVar:

NM_020338.4(ZMIZ1):c.651G>A (p.Ala217=)

Gene: ZMIZ1 (zinc finger MIZ-type containing 1; plus strand). Cytogenetic location: 10q22.3.
Variant type: single nucleotide variant.
Coding change: c.651G>A on transcript NM_020338.4 (MANE Select); coding-DNA position 651, G replaced by A.
Protein change: p.Ala217=; no amino-acid change (alanine 217 retained).
Molecular consequence: synonymous variant.
Genome position (GRCh38, 1-based): chr10:79,291,069, G>A. VCF-style: chr10-79291069-G-A. GRCh37 (hg19) VCF-style: chr10-81050826-G-A.
Identifiers: ClinVar variation 4805276 (VCV004805276.3).
Genomic context (GRCh38, chr10:79,291,069, plus strand): 5'-CAACCCCATGGCGTCGGGCATGACCACCAGCAACCCAGGCCTCAACTCCCCACAGTTTGC[G>A]GGGCAGCAGCAGCAGTTCTCAGCCAAGGCTGGCCCCGCTCAGCCCTACATCCAGCAGAGC-3'
Protein context (NP_065071.1, residues 207-227): SNPGLNSPQF[Ala217=]GQQQQFSAKA

ClinVar aggregate classification (germline): Likely benign. Review status: criteria provided, multiple submitters, no conflicts (2 of 4 stars). 2 submissions from 2 submitters: Likely benign (2). Last evaluated 2026-04-01.

gnomAD v4.1: 24 of 1,614,124 alleles (0.0015%); highest among the groups gnomAD compares: African/African-American, 0.012%; no homozygotes.

Submissions (2):

CeGaT Center for Human Genetics Tuebingen
Classification: Likely benign. Last evaluated: 2026-04-01. Review status: criteria provided, single submitter. Criteria: CeGaT Center For Human Genetics Tuebingen Variant Classification Criteria Version 2. Collection method: clinical testing. Allele origin: germline. Affected: yes. Observed: 1 variant allele.
Comment: ZMIZ1: BP4, BP7

Labcorp Genetics (formerly Invitae), Labcorp
Classification: Likely benign. Last evaluated: 2025-08-25. Review status: criteria provided, single submitter. Criteria: Invitae Variant Classification Sherloc (09022015). Collection method: clinical testing. Allele origin: germline.